The following is an entry in ClinVar:

NM_198578.4(LRRK2):c.2050A>G (p.Met684Val)

Gene: LRRK2 (leucine rich repeat kinase 2; plus strand). Cytogenetic location: 12q12.
Variant type: single nucleotide variant.
Coding change: c.2050A>G on transcript NM_198578.4 (MANE Select); coding-DNA position 2050, A replaced by G.
Protein change: p.Met684Val; replaces methionine 684 with valine.
Molecular consequence: missense variant.
Genome position (GRCh38, 1-based): chr12:40,277,996, A>G. VCF-style: chr12-40277996-A-G. GRCh37 (hg19) VCF-style: chr12-40671798-A-G.
Other names: short protein forms M684V.
Identifiers: ClinVar variation 1418638 (VCV001418638.9), dbSNP rs1943532621, ClinGen allele CA384404725.
Genomic context (GRCh38, chr12:40,277,996, plus strand): 5'-AAGCTGCTGGTGCATCATTCATTTGACTTAGTAATATTCCATCAAATGTCTTCCAATATC[A>G]TGGAACAAAAGGATCAACAGGTACAGTGTTTTTCACTTGCATCCTAAATGTTATGTATTT-3'
Protein context (NP_940980.4, residues 674-694): VIFHQMSSNI[Met684Val]EQKDQQFLNL

ClinVar aggregate classification (germline): Uncertain significance. Review status: criteria provided, multiple submitters, no conflicts (2 of 4 stars). 2 submissions from 2 submitters: Uncertain significance (2). Last evaluated 2024-09-06.

Conditions:
Autosomal dominant Parkinson disease 8. Also called: Parkinson disease 8; Parkinson disease 8, susceptibility to; LRRK2-Related Parkinson Disease. Identifiers: Orphanet 411602, MedGen C1846862, MONDO:0011764, OMIM 607060.
Inborn genetic diseases. Identifiers: MedGen C0950123, MeSH D030342.

Allele frequency attached by ClinVar (database versions not stated): gnomAD exomes below 0.00001.
gnomAD v4.1: 4 of 1,613,722 alleles (0.00025%); highest among the groups gnomAD compares: East Asian, 0.0022%; no homozygotes.

Submissions (2):

Ambry Genetics
Classification: Uncertain significance for Inborn genetic diseases. Last evaluated: 2024-09-06. Review status: criteria provided, single submitter. Criteria: Ambry Variant Classification Scheme 2023. Collection method: clinical testing. Allele origin: germline.
Comment: The p.M684V variant (also known as c.2050A>G), located in coding exon 17 of the LRRK2 gene, results from an A to G substitution at nucleotide position 2050. The methionine at codon 684 is replaced by valine, an amino acid with highly similar properties. This amino acid position is conserved. In addition, this alteration is predicted to be tolerated by in silico analysis. Since supporting evidence is limited at this time, the clinical significance of this alteration remains unclear.

Labcorp Genetics (formerly Invitae), Labcorp
Classification: Uncertain significance for Autosomal dominant Parkinson disease 8. Last evaluated: 2022-03-18. Review status: criteria provided, single submitter. Criteria: Invitae Variant Classification Sherloc (09022015). Collection method: clinical testing. Allele origin: germline.
Comment: This sequence change replaces methionine, which is neutral and non-polar, with valine, which is neutral and non-polar, at codon 684 of the LRRK2 protein (p.Met684Val). This variant is not present in population databases (gnomAD no frequency). This variant has not been reported in the literature in individuals affected with LRRK2-related conditions. Algorithms developed to predict the effect of missense changes on protein structure and function output the following: SIFT: "Tolerated"; PolyPhen-2: "Benign"; Align-GVGD: "Class C0". The valine amino acid residue is found in multiple mammalian species, which suggests that this missense change does not adversely affect protein function. In summary, the available evidence is currently insufficient to determine the role of this variant in disease. Therefore, it has been classified as a Variant of Uncertain Significance.